The following is an entry in ClinVar:

NM_002204.4(ITGA3):c.1620C>T (p.His540=)

Gene: ITGA3 (integrin subunit alpha 3; plus strand). Cytogenetic location: 17q21.33.
Variant type: single nucleotide variant.
Coding change: c.1620C>T on transcript NM_002204.4 (MANE Select); coding-DNA position 1620, C replaced by T.
Protein change: p.His540=; no amino-acid change (histidine 540 retained).
Molecular consequence: synonymous variant.
Genome position (GRCh38, 1-based): chr17:50,075,681, C>T. VCF-style: chr17-50075681-C-T. GRCh37 (hg19) VCF-style: chr17-48153045-C-T.
Other names: p.His540=.
Identifiers: ClinVar variation 2062830 (VCV002062830.5), dbSNP rs149518870, ClinGen allele CA8641623.
Genomic context (GRCh38, chr17:50,075,681, plus strand): 5'-TGACAGGGACCGCCGGCCGCCCCGGCTCCGCTTTGCCGGCAGTGAGTCCGCTGTCTTCCA[C>T]GGCTTCTTCTCCATGCCCGAGATGCGCTGCCAGAAGCTGGAGCTGCTCCTGATGGTGAGG-3'
Protein context (NP_002195.1, residues 530-550): RFAGSESAVF[His540=]GFFSMPEMRC

ClinVar aggregate classification (germline): Benign/Likely benign. Review status: criteria provided, multiple submitters, no conflicts (2 of 4 stars). 2 submissions from 2 submitters: Benign (1); Likely benign (1). Last evaluated 2025-12-17.

Allele frequency attached by ClinVar (database versions not stated): ExAC 0.00027; 1000 Genomes Project 30x 0.00031; 1000 Genomes Project 0.00040; ESP Exome Variant Server 0.00046; gnomAD 0.00071; TOPMed 0.00081.
gnomAD v4.1: 229 of 1,614,178 alleles (0.014%); highest among the groups gnomAD compares: African/African-American, 0.26%; 1 homozygote.

Submissions (2):

Labcorp Genetics (formerly Invitae), Labcorp
Classification: Benign. Last evaluated: 2025-12-17. Review status: criteria provided, single submitter. Criteria: Invitae Variant Classification Sherloc (09022015). Collection method: clinical testing. Allele origin: germline.

Mayo Clinic Laboratories, Mayo Clinic
Classification: Likely benign. Last evaluated: 2025-12-14. Review status: criteria provided, single submitter. Criteria: ACMG Guidelines, 2015. Collection method: clinical testing. Allele origin: germline. Observed: 1 variant allele.
Comment: BS1, BP4, BP7